The following is an entry in ClinVar:

NM_001018005.2(TPM1):c.314G>A (p.Arg105His)

Gene: TPM1 (tropomyosin 1; plus strand). Cytogenetic location: 15q22.2.
Variant type: single nucleotide variant.
Coding change: c.314G>A on transcript NM_001018005.2 (MANE Select); coding-DNA position 314, G replaced by A.
Protein change: p.Arg105His; replaces arginine 105 with histidine.
Molecular consequence: missense variant.
Genome position (GRCh38, 1-based): chr15:63,057,058, G>A. VCF-style: chr15-63057058-G-A. GRCh37 (hg19) VCF-style: chr15-63349257-G-A.
Other names: c.314G>A, p.Arg105His (NM_000366.6, NM_001018004.2, NM_001018006.2 and 6 more transcripts); c.206G>A, p.Arg69His (NM_001018008.2, NM_001301289.2, NM_001330344.2 and 5 more transcripts); c.440G>A, p.Arg147His (NM_001365778.1); short protein forms R105H, R69H, R147H.
Identifiers: ClinVar variation 628782 (VCV000628782.11), dbSNP rs773149185, ClinGen allele CA029059.

ClinVar aggregate classification (germline): Uncertain significance. Review status: criteria provided, multiple submitters, no conflicts (2 of 4 stars). 4 submissions from 4 submitters: Uncertain significance (4). Last evaluated 2024-12-23.

Conditions:
Cardiomyopathy (CMYO). Also called: Cardiomyopathies. Identifiers: Orphanet 167848, MedGen C0878544, MONDO:0004994, HP:0001638. Inheritance: Various modes of inheritance.
Dilated cardiomyopathy 1Y (CMD1Y). Identifiers: Orphanet 154, Orphanet 54260, MedGen C2678476, MONDO:0012744, OMIM 611878.
Hypertrophic cardiomyopathy 3. Also called: TPM1-Related Familial Hypertrophic Cardiomyopathy. Identifiers: MedGen C1861863, MONDO:0007267, OMIM 115196.
Hypertrophic cardiomyopathy. Also called: HYPERTROPHIC MYOCARDIOPATHY. Identifiers: Orphanet 217569, MedGen C0007194, MeSH D002312, MONDO:0005045, HP:0001639.

Allele frequency attached by ClinVar (database versions not stated): gnomAD exomes below 0.00001 and 0.00001; gnomAD 0.00001; TOPMed 0.00001; ExAC 0.00002.
gnomAD v4.1: 5 of 1,614,100 alleles (0.00031%); highest among the groups gnomAD compares: Middle Eastern, 0.016%; no homozygotes.

Submissions (4):

Color Diagnostics, LLC DBA Color Health
Classification: Uncertain significance for Cardiomyopathy. Last evaluated: 2024-12-23. Review status: criteria provided, single submitter. Criteria: ACMG Guidelines, 2015. Collection method: clinical testing. Allele origin: germline.
Comment: This missense variant replaces arginine with histidine at codon 105 of the TPM1 protein. Computational prediction suggests that this variant may have a deleterious impact on protein structure and function. To our knowledge, functional studies have not been reported for this variant. This variant has not been reported in individuals affected with TPM1-related disorders in the literature. This variant has been identified in 2/251456 chromosomes in the general population by the Genome Aggregation Database (gnomAD). The available evidence is insufficient to determine the role of this variant in disease conclusively. Therefore, this variant is classified as a Variant of Uncertain Significance.

All of Us Research Program, National Institutes of Health
Classification: Uncertain significance for Hypertrophic cardiomyopathy. Last evaluated: 2023-05-15. Review status: criteria provided, single submitter. Criteria: ACMG Guidelines, 2015. Collection method: clinical testing. Allele origin: germline. Inheritance: Autosomal dominant inheritance. Observed: 2 variant alleles, 2 heterozygotes.
Comment: Variant of Uncertain Significance due to insufficient evidence: This missense variant is located in the troponin T binding domain of the TPM1 protein. Computational prediction tools and conservation analyses suggest that this variant may have deleterious impact on the protein function. Computational splicing tools suggest that this variant may not impact the RNA splicing. To our knowledge, functional assays have not been performed for this variant nor has this variant been reported in individuals affected with cardiovascular disorders. This variant is rare in the general population and has been identified in 2/246226 chromosomes by the Genome Aggregation Database (gnomAD). Available evidence is insufficient to determine the role of this variant in disease conclusively.

This study involves interpretation of variants in research participants for the purpose of population health screening. Participant phenotype was not available at the time of variant classification. Additional details can be found in publication PMID: 35346344, PMCID: PMC8962531

Labcorp Genetics (formerly Invitae), Labcorp
Classification: Uncertain significance for Hypertrophic cardiomyopathy. Last evaluated: 2023-04-12. Review status: criteria provided, single submitter. Criteria: Invitae Variant Classification Sherloc (09022015). Collection method: clinical testing. Allele origin: germline.
Comment: In summary, the available evidence is currently insufficient to determine the role of this variant in disease. Therefore, it has been classified as a Variant of Uncertain Significance. An algorithm developed to predict the effect of missense changes on protein structure and function (PolyPhen-2) suggests that this variant is likely to be disruptive. ClinVar contains an entry for this variant (Variation ID: 628782). This variant has not been reported in the literature in individuals affected with TPM1-related conditions. This variant is present in population databases (rs773149185, gnomAD 0.007%). This sequence change replaces arginine, which is basic and polar, with histidine, which is basic and polar, at codon 105 of the TPM1 protein (p.Arg105His).

Fulgent Genetics
Classification: Uncertain significance for Hypertrophic cardiomyopathy 3; Dilated cardiomyopathy 1Y. Last evaluated: 2021-10-07. Review status: criteria provided, single submitter. Criteria: ACMG Guidelines, 2015. Collection method: clinical testing. Allele origin: unknown.